The following is an entry in ClinVar:

NM_138691.3(TMC1):c.2177C>T (p.Ala726Val)

Gene: TMC1 (transmembrane channel like 1; plus strand). Cytogenetic location: 9q21.13.
Variant type: single nucleotide variant.
Coding change: c.2177C>T on transcript NM_138691.3 (MANE Select); coding-DNA position 2177, C replaced by T.
Protein change: p.Ala726Val; replaces alanine 726 with valine.
Molecular consequence: missense variant.
Genome position (GRCh38, 1-based): chr9:72,830,498, C>T. VCF-style: chr9-72830498-C-T. GRCh37 (hg19) VCF-style: chr9-75445414-C-T.
Other names: short protein forms A726V.
Identifiers: ClinVar variation 594638 (VCV000594638.16), dbSNP rs573874378, ClinGen allele CA5082169.
Genomic context (GRCh38, chr9:72,830,498, plus strand): 5'-CTTTTTAATTTAGTTTGGCCATCTATTATCTCAATGCTACTGCCAAGGGCCAGAAGGCAG[C>T]GAATCTGGATCTCAAAAAGAAGATGAAAATGGTATGATACAATTTATTTCATAGAAATAT-3'
Protein context (NP_619636.2, residues 716-736): LNATAKGQKA[Ala726Val]NLDLKKKMKM

ClinVar aggregate classification (germline): Uncertain significance. Review status: criteria provided, multiple submitters, no conflicts (2 of 4 stars). 7 submissions from 6 submitters: Uncertain significance (7). Last evaluated 2026-01-20.

Conditions:
TMC1-related disorder. Also called: TMC1-related disorders; TMC1-related condition.
Autosomal dominant nonsyndromic hearing loss 36. Identifiers: Orphanet 90635, MedGen C1847626, MONDO:0011708, OMIM 606705.
Autosomal recessive nonsyndromic hearing loss 7. Also called: DEAFNESS, AUTOSOMAL RECESSIVE 11. Identifiers: Orphanet 90636, MedGen C1832978, MONDO:0010967, OMIM 600974.

Allele frequency attached by ClinVar (database versions not stated): ExAC 0.00007; TOPMed 0.00008; gnomAD 0.00010 and 0.00011.
gnomAD v4.1: 124 of 1,613,204 alleles (0.0077%); highest among the groups gnomAD compares: Non-Finnish European, 0.0096%; no homozygotes.

Submissions (7):

PreventionGenetics, part of Exact Sciences
Classification: Uncertain significance for TMC1-related condition. Last evaluated: 2026-01-20. Review status: criteria provided, single submitter. Criteria: ACMG Guidelines, 2015. Collection method: clinical testing. Allele origin: germline.
Comment: The TMC1 c.2177C>T variant is predicted to result in the amino acid substitution p.Ala726Val. To our knowledge, this variant has not been reported in the literature. This variant is reported in 0.0085% of alleles in individuals of European (Non-Finnish) descent in gnomAD. At this time, the clinical significance of this variant is uncertain due to the absence of conclusive functional and genetic evidence.

Labcorp Genetics (formerly Invitae), Labcorp
Classification: Uncertain significance. Last evaluated: 2025-07-10. Review status: criteria provided, single submitter. Criteria: Invitae Variant Classification Sherloc (09022015). Collection method: clinical testing. Allele origin: germline.
Comment: This sequence change replaces alanine, which is neutral and non-polar, with valine, which is neutral and non-polar, at codon 726 of the TMC1 protein (p.Ala726Val). This variant is present in population databases (rs573874378, gnomAD 0.009%). This variant has not been reported in the literature in individuals affected with TMC1-related conditions. ClinVar contains an entry for this variant (Variation ID: 594638). Invitae Evidence Modeling of protein sequence and biophysical properties (such as structural, functional, and spatial information, amino acid conservation, physicochemical variation, residue mobility, and thermodynamic stability) has been performed for this missense variant. However, the output from this modeling did not meet the statistical confidence thresholds required to predict the impact of this variant on TMC1 protein function. In summary, the available evidence is currently insufficient to determine the role of this variant in disease. Therefore, it has been classified as a Variant of Uncertain Significance.

Blueprint Genetics
Classification: Uncertain significance. Last evaluated: 2024-10-16. Review status: criteria provided, single submitter. Criteria: ACMG Guidelines, 2015. Collection method: clinical testing. Allele origin: germline.

GeneDx
Classification: Uncertain significance. Last evaluated: 2023-12-01. Review status: criteria provided, single submitter. Criteria: GeneDx Variant Classification Process June 2021. Collection method: clinical testing. Allele origin: germline. Affected: yes.
Comment: In silico analysis supports that this missense variant has a deleterious effect on protein structure/function; Has not been previously published as pathogenic or benign to our knowledge

Eurofins Ntd Llc (ga)
Classification: Uncertain significance. Last evaluated: 2017-11-10. Review status: criteria provided, single submitter. Criteria: EGL Classification Definitions 2015. Collection method: clinical testing. Allele origin: germline. Observed: 1 variant allele, 1 heterozygote.

Illumina Laboratory Services, Illumina
Classification: Uncertain significance for Autosomal recessive nonsyndromic hearing loss 7. Last evaluated: 2017-04-27. Review status: criteria provided, single submitter. Criteria: ICSL Variant Classification Criteria 13 December 2019. Collection method: clinical testing. Allele origin: germline.

Illumina Laboratory Services, Illumina
Classification: Uncertain significance for Autosomal dominant nonsyndromic hearing loss 36. Last evaluated: 2017-04-27. Review status: criteria provided, single submitter. Criteria: ICSL Variant Classification Criteria 13 December 2019. Collection method: clinical testing. Allele origin: germline.